The following is an entry in ClinVar:

NM_016507.4(CDK12):c.1943C>A (p.Thr648Asn)

Gene: CDK12 (cyclin dependent kinase 12; plus strand). Cytogenetic location: 17q12.
Variant type: single nucleotide variant.
Coding change: c.1943C>A on transcript NM_016507.4 (MANE Select); coding-DNA position 1943, C replaced by A.
Protein change: p.Thr648Asn; replaces threonine 648 with asparagine.
Molecular consequence: missense variant.
Genome position (GRCh38, 1-based): chr17:39,490,568, C>A. VCF-style: chr17-39490568-C-A. GRCh37 (hg19) VCF-style: chr17-37646821-C-A.
Other names: c.1943C>A, p.Thr648Asn (NM_015083.4); short protein forms T648N.
Identifiers: ClinVar variation 4825942 (VCV004825942.1).

ClinVar aggregate classification (germline): Uncertain significance (1 of 4 stars; one submission).

Submission:

Ambry Genetics
Classification: Uncertain significance. Last evaluated: 2026-03-02. Review status: criteria provided, single submitter. Criteria: Ambry Variant Classification Scheme 2023. Collection method: clinical testing. Allele origin: germline.
Comment: The p.T648N variant (also known as c.1943C>A), located in coding exon 3 of the CDK12 gene, results from a C to A substitution at nucleotide position 1943. The threonine at codon 648 is replaced by asparagine, an amino acid with similar properties. This amino acid position is conserved. In addition, this alteration is predicted to be tolerated by in silico analysis. Based on the available evidence, the clinical significance of this variant remains unclear.